The following is an entry in ClinVar:

ClinVar aggregate classification (germline): Conflicting classifications of pathogenicity. Review status: criteria provided, conflicting classifications (1 of 4 stars). 12 submissions from 12 submitters: Uncertain significance (2); Benign (5); Likely benign (1). 4 of the submissions do not count toward it. Last evaluated 2026-01-25.

Conditions:
Cardiovascular phenotype. Identifiers: MedGen CN230736.
Dilated cardiomyopathy 1JJ (CMD1JJ). Identifiers: Orphanet 154, MedGen C3808935, MONDO:0014095, OMIM 615235.
Cardiomyopathy (CMYO). Also called: Cardiomyopathies. Identifiers: Orphanet 167848, MedGen C0878544, MONDO:0004994, HP:0001638. Inheritance: Various modes of inheritance.

Allele frequency attached by ClinVar (database versions not stated): ESP Exome Variant Server 0.00015; gnomAD exomes 0.00034 and 0.00127; gnomAD 0.00064 and 0.00079; 1000 Genomes Project 30x 0.00281; TOPMed 0.00071; ExAC 0.00117; 1000 Genomes Project 0.00319.
gnomAD v4.1: 663 of 1,613,042 alleles (0.041%); highest among the groups gnomAD compares: East Asian, 1%; 5 homozygotes.

Submissions (12):

Labcorp Genetics (formerly Invitae), Labcorp
Classification: Benign for Dilated cardiomyopathy 1JJ. Last evaluated: 2026-01-25. Review status: criteria provided, single submitter. Criteria: Invitae Variant Classification Sherloc (09022015). Collection method: clinical testing. Allele origin: germline.

Women's Health and Genetics/Laboratory Corporation of America, LabCorp
Classification: Likely benign. Last evaluated: 2024-11-10. Review status: criteria provided, single submitter. Criteria: LabCorp Variant Classification Summary - May 2015. Collection method: clinical testing. Allele origin: germline.

Blueprint Genetics
Classification: Benign. Last evaluated: 2024-09-23. Review status: criteria provided, single submitter. Criteria: ACMG Guidelines, 2015. Collection method: clinical testing. Allele origin: germline.

CHEO Genetics Diagnostic Laboratory, Children's Hospital of Eastern Ontario
Classification: Benign for Cardiomyopathy. Last evaluated: 2018-03-23. Review status: criteria provided, single submitter. Criteria: ACMG Guidelines, 2015. Collection method: clinical testing. Allele origin: germline.

Ambry Genetics
Classification: Benign for Cardiovascular phenotype. Last evaluated: 2015-05-21. Review status: criteria provided, single submitter. Criteria: Ambry Variant Classification Scheme 2023. Collection method: clinical testing. Allele origin: germline.

GeneDx
Classification: Benign. Last evaluated: 2014-10-16. Review status: criteria provided, single submitter. Criteria: GeneDx Variant Classification (06012015). Collection method: clinical testing. Allele origin: germline. Affected: yes.
Comment: This variant is considered likely benign or benign based on one or more of the following criteria: it is a conservative change, it occurs at a poorly conserved position in the protein, it is predicted to be benign by multiple in silico algorithms, and/or has population frequency not consistent with disease.

Biesecker Lab/Clinical Genomics Section, National Institutes of Health
Classification: Uncertain significance. Last evaluated: 2013-06-24. Review status: criteria provided, single submitter. Criteria: Ng et al. (Circ Cardiovasc Genet. 2013). Collection method: research. Allele origin: unknown. Observed: 1 variant allele. Study: ClinSeq.
Comment: The study set was not selected for affection status in relation to any cancer. Pathogenicity categories were based on literature curation. See Pubmed ID:23861362 for details.

Medical sequencing

Laboratory for Molecular Medicine, Mass General Brigham Personalized Medicine
Classification: Uncertain significance. Last evaluated: 2012-01-05. Review status: criteria provided, single submitter. Criteria: LMM Criteria. Collection method: clinical testing. Allele origin: germline. Observed: 1 variant allele.
Comment: Variant classified as Uncertain Significance - Favor Benign. The Val1308Ile vari ant (LAMA4) has been identified in 2/46 chromosomes from an Asian population, 7/ 2334 chromosomes from the 1000 Genomes population, and 1/3738 chromosomes from a broad but clinically unspecified African American cohort (dbSNP rs70940811). Valine (Val) residue at position 1308 is not con served among mammals, suggesting that a change may be tolerated. Computational t ools (PolyPhen2, SIFT, AlignGVGD) also predict this change to be benign although their accuracy is unknown. In summary, this variant is more likely benign but additional information is needed to fully assess its clinical significance.

Clinical Genetics DNA and cytogenetics Diagnostics Lab, Erasmus MC, Erasmus Medical Center
Classification: Benign. Review status: no assertion criteria provided. Collection method: clinical testing. Allele origin: germline. Affected: yes. Study: VKGL Data-share Consensus. Not counted in ClinVar's aggregate classification.

Clinical Genetics, Academic Medical Center
Classification: Benign. Review status: no assertion criteria provided. Collection method: clinical testing. Allele origin: germline. Affected: yes. Study: VKGL Data-share Consensus. Not counted in ClinVar's aggregate classification.

Diagnostic Laboratory, Department of Genetics, University Medical Center Groningen
Classification: Likely benign. Review status: no assertion criteria provided. Collection method: clinical testing. Allele origin: germline. Affected: yes. Study: VKGL Data-share Consensus. Not counted in ClinVar's aggregate classification.

Genome Diagnostics Laboratory, University Medical Center Utrecht
Classification: Likely benign. Review status: no assertion criteria provided. Collection method: clinical testing. Allele origin: germline. Affected: yes. Study: VKGL Data-share Consensus. Not counted in ClinVar's aggregate classification.

Literature cited by the submitters: PubMed 24503780 (cited by Ambry Genetics).

NM_001105206.3(LAMA4):c.3943G>A (p.Val1315Ile)

Gene: LAMA4 (laminin subunit alpha 4; minus strand). Cytogenetic location: 6q21.
Variant type: single nucleotide variant.
Coding change: c.3943G>A on transcript NM_001105206.3 (MANE Select); coding-DNA position 3943, G replaced by A.
Protein change: p.Val1315Ile; replaces valine 1315 with isoleucine.
Molecular consequence: missense variant.
Genome position (GRCh38, 1-based): chr6:112,130,993, C>T on the plus strand (G>A on the coding strand, the complement: LAMA4 is on the minus strand). VCF-style: chr6-112130993-C-T. GRCh37 (hg19) VCF-style: chr6-112452195-C-T.
Other names: c.3922G>A, p.Val1308Ile (NM_001105207.3, NM_002290.5); short protein forms V1308I, V1315I.
Identifiers: ClinVar variation 44380 (VCV000044380.31), dbSNP rs70940811, ClinGen allele CA210966.